The following is an entry in ClinVar:

ClinVar aggregate classification (germline): Uncertain significance (1 of 4 stars; one submission).

Submission:

Labcorp Genetics (formerly Invitae), Labcorp
Classification: Uncertain significance. Last evaluated: 2022-03-09. Review status: criteria provided, single submitter. Criteria: Invitae Variant Classification Sherloc (09022015). Collection method: clinical testing. Allele origin: germline.
Comment: This sequence change replaces alanine, which is neutral and non-polar, with aspartic acid, which is acidic and polar, at codon 1600 of the LOXHD1 protein (p.Ala1600Asp). This variant is not present in population databases (gnomAD no frequency). This variant has not been reported in the literature in individuals affected with LOXHD1-related conditions. Algorithms developed to predict the effect of missense changes on protein structure and function are either unavailable or do not agree on the potential impact of this missense change (SIFT: "Tolerated"; PolyPhen-2: "Possibly Damaging"; Align-GVGD: "Class C0"). In summary, the available evidence is currently insufficient to determine the role of this variant in disease. Therefore, it has been classified as a Variant of Uncertain Significance.

NM_001384474.1(LOXHD1):c.4799C>A (p.Ala1600Asp)

Gene: LOXHD1 (lipoxygenase homology PLAT domains 1; minus strand). Cytogenetic location: 18q21.1.
Variant type: single nucleotide variant.
Coding change: c.4799C>A on transcript NM_001384474.1 (MANE Select); coding-DNA position 4799, C replaced by A.
Protein change: p.Ala1600Asp; replaces alanine 1600 with aspartic acid.
Molecular consequence: missense variant.
Genome position (GRCh38, 1-based): chr18:46,524,543, G>T on the plus strand (C>A on the coding strand, the complement: LOXHD1 is on the minus strand). VCF-style: chr18-46524543-G-T. GRCh37 (hg19) VCF-style: chr18-44104506-G-T.
Other names: c.1466C>A, p.Ala489Asp (NM_001145472.3); c.1178C>A, p.Ala393Asp (NM_001308013.2); c.4799C>A, p.Ala1600Asp (NM_144612.7); short protein forms A393D, A1600D, A489D.
Identifiers: ClinVar variation 2192374 (VCV002192374.1), dbSNP rs2511611390, ClinGen allele CA402372679.